The following is an entry in ClinVar:

ClinVar aggregate classification (germline): Uncertain significance. Review status: criteria provided, multiple submitters, no conflicts (2 of 4 stars). 2 submissions from 2 submitters: Uncertain significance (2). Last evaluated 2025-03-19.

Conditions:
NPC1-related disorder. Also called: NPC1-related condition.
Niemann-Pick disease, type C1. Also called: NIEMANN-PICK DISEASE, VARIANT TYPE C1; NEUROVISCERAL STORAGE DISEASE WITH VERTICAL SUPRANUCLEAR OPHTHALMOPLEGIA; NIEMANN-PICK DISEASE WITH CHOLESTEROL ESTERIFICATION BLOCK; NIEMANN-PICK DISEASE WITHOUT SPHINGOMYELINASE DEFICIENCY; NIEMANN-PICK DISEASE, CHRONIC NEURONOPATHIC FORM. Identifiers: Orphanet 646, MedGen C3179455, MONDO:0009757, OMIM 257220.

Allele frequency attached by ClinVar (database versions not stated): TOPMed below 0.00001.
gnomAD v4.1: 5 of 1,608,374 alleles (0.00031%); highest among the groups gnomAD compares: Non-Finnish European, 0.00042%; no homozygotes.

Submissions (2):

PreventionGenetics, part of Exact Sciences
Classification: Uncertain significance for NPC1-related condition. Last evaluated: 2025-03-19. Review status: criteria provided, single submitter. Criteria: ACMG Guidelines, 2015. Collection method: clinical testing. Allele origin: germline.
Comment: The NPC1 c.1856G>A variant is predicted to result in the amino acid substitution p.Ser619Asn. To our knowledge, this variant has not been reported in the literature or in a large population database (gnomAD), indicating this variant is rare. At this time, the clinical significance of this variant is uncertain due to the absence of conclusive functional and genetic evidence.

Labcorp Genetics (formerly Invitae), Labcorp
Classification: Uncertain significance for Niemann-Pick disease, type C1. Last evaluated: 2022-07-26. Review status: criteria provided, single submitter. Criteria: Invitae Variant Classification Sherloc (09022015). Collection method: clinical testing. Allele origin: germline.
Comment: This sequence change replaces serine, which is neutral and polar, with asparagine, which is neutral and polar, at codon 619 of the NPC1 protein (p.Ser619Asn). This variant is not present in population databases (gnomAD no frequency). This variant has not been reported in the literature in individuals affected with NPC1-related conditions. ClinVar contains an entry for this variant (Variation ID: 1420227). Algorithms developed to predict the effect of missense changes on protein structure and function (SIFT, PolyPhen-2, Align-GVGD) all suggest that this variant is likely to be tolerated. In summary, the available evidence is currently insufficient to determine the role of this variant in disease. Therefore, it has been classified as a Variant of Uncertain Significance.

NM_000271.5(NPC1):c.1856G>A (p.Ser619Asn)

Gene: NPC1 (NPC intracellular cholesterol transporter 1; minus strand). Cytogenetic location: 18q11.2.
Variant type: single nucleotide variant.
Coding change: c.1856G>A on transcript NM_000271.5 (MANE Select); coding-DNA position 1856, G replaced by A.
Protein change: p.Ser619Asn; replaces serine 619 with asparagine.
Molecular consequence: missense variant.
Genome position (GRCh38, 1-based): chr18:23,545,051, C>T on the plus strand (G>A on the coding strand, the complement: NPC1 is on the minus strand). VCF-style: chr18-23545051-C-T. GRCh37 (hg19) VCF-style: chr18-21125015-C-T.
Other names: c.1856G>A (NM_000271.4); short protein forms S619N.
Identifiers: ClinVar variation 1420227 (VCV001420227.6), dbSNP rs992289027, ClinGen allele CA297060766.